The following is an entry in ClinVar:

NM_174916.3(UBR1):c.336C>A (p.Cys112Ter)

Gene: UBR1 (ubiquitin protein ligase E3 component n-recognin 1; minus strand). Cytogenetic location: 15q15.2.
Variant type: single nucleotide variant.
Coding change: c.336C>A on transcript NM_174916.3 (MANE Select); coding-DNA position 336, C replaced by A.
Protein change: p.Cys112Ter; replaces cysteine 112 with a stop codon.
Molecular consequence: nonsense.
Genome position (GRCh38, 1-based): chr15:43,085,986, G>T on the plus strand (C>A on the coding strand, the complement: UBR1 is on the minus strand). VCF-style: chr15-43085986-G-T. GRCh37 (hg19) VCF-style: chr15-43378184-G-T.
Other names: short protein forms C112*.
Identifiers: ClinVar variation 2696878 (VCV002696878.3), dbSNP rs2543044886, ClinGen allele CA392086270.

ClinVar aggregate classification (germline): Pathogenic (1 of 4 stars; one submission).

Submission:

Labcorp Genetics (formerly Invitae), Labcorp
Classification: Pathogenic. Last evaluated: 2023-11-17. Review status: criteria provided, single submitter. Criteria: Invitae Variant Classification Sherloc (09022015). Collection method: clinical testing. Allele origin: germline.
Comment: This sequence change creates a premature translational stop signal (p.Cys112*) in the UBR1 gene. It is expected to result in an absent or disrupted protein product. Loss-of-function variants in UBR1 are known to be pathogenic (PMID: 24599544). This variant is not present in population databases (gnomAD no frequency). This variant has not been reported in the literature in individuals affected with UBR1-related conditions. For these reasons, this variant has been classified as Pathogenic.

Literature cited by the submitters: PubMed 24599544.